The following is an entry in ClinVar:

ClinVar aggregate classification (germline): Uncertain significance (1 of 4 stars; one submission).

Submission:

Labcorp Genetics (formerly Invitae), Labcorp
Classification: Uncertain significance. Last evaluated: 2020-11-04. Review status: criteria provided, single submitter. Criteria: Invitae Variant Classification Sherloc (09022015). Collection method: clinical testing. Allele origin: germline.
Comment: In summary, the available evidence is currently insufficient to determine the role of this variant in disease. Therefore, it has been classified as a Variant of Uncertain Significance. Experimental studies and prediction algorithms are not available or were not evaluated, and the functional significance of this variant is currently unknown. This variant has not been reported in the literature in individuals with ZNF341-related conditions. This variant is a gross deletion of the genomic region encompassing exon(s) 4 of the ZNF341 gene. This variant would be expected to be in-frame, preserving the integrity of the reading frame.

NC_000020.10:g.(?_32336709)_(32336898_?)del

Gene: ZNF341 (zinc finger protein 341; plus strand). Cytogenetic location: 20q11.22.
Variant type: Deletion.
Identifiers: ClinVar variation 1434335 (VCV001434335.6).